The following is an entry in ClinVar:

NM_001167.4(XIAP):c.683T>G (p.Phe228Cys)

Gene: XIAP (X-linked inhibitor of apoptosis; plus strand). Cytogenetic location: Xq25.
Variant type: single nucleotide variant.
Coding change: c.683T>G on transcript NM_001167.4 (MANE Select); coding-DNA position 683, T replaced by G.
Protein change: p.Phe228Cys; replaces phenylalanine 228 with cysteine.
Molecular consequence: missense variant.
Genome position (GRCh38, 1-based): chrX:123,886,345, T>G. VCF-style: chrX-123886345-T-G. GRCh37 (hg19) VCF-style: chrX-123020195-T-G.
Other names: c.683T>G, p.Phe228Cys (NM_001204401.2, NM_001378590.1, NM_001378591.1 and 1 more transcripts); short protein forms F228C.
Identifiers: ClinVar variation 571391 (VCV000571391.12), dbSNP rs140973844, ClinGen allele CA10508040.

ClinVar aggregate classification (germline): Uncertain significance. Review status: criteria provided, multiple submitters, no conflicts (2 of 4 stars). 2 submissions from 2 submitters: Uncertain significance (2). Last evaluated 2025-08-11.

Conditions:
X-linked lymphoproliferative disease due to XIAP deficiency. Also called: XIAP-Related Lymphoproliferative Disease, X-Linked; XIAP DEFICIENCY. Identifiers: Orphanet 2442, Orphanet 538934, MedGen C1845076, MONDO:0010385, OMIM 300635.

Allele frequency attached by ClinVar (database versions not stated): ExAC 0.00001; gnomAD exomes 0.00001 and 0.00003; TOPMed 0.00001; gnomAD 0.00002; ESP Exome Variant Server 0.00009.
gnomAD v4.1: 17 of 1,210,357 alleles (0.0014%); highest among the groups gnomAD compares: Non-Finnish European, 0.0019%; no homozygotes.

Submissions (2):

Labcorp Genetics (formerly Invitae), Labcorp
Classification: Uncertain significance for X-linked lymphoproliferative disease due to XIAP deficiency. Last evaluated: 2025-08-11. Review status: criteria provided, single submitter. Criteria: Invitae Variant Classification Sherloc (09022015). Collection method: clinical testing. Allele origin: germline.
Comment: This sequence change replaces phenylalanine, which is neutral and non-polar, with cysteine, which is neutral and slightly polar, at codon 228 of the XIAP protein (p.Phe228Cys). This variant is present in population databases (rs140973844, gnomAD 0.007%). This variant has not been reported in the literature in individuals affected with XIAP-related conditions. ClinVar contains an entry for this variant (Variation ID: 571391). Invitae Evidence Modeling of protein sequence and biophysical properties (such as structural, functional, and spatial information, amino acid conservation, physicochemical variation, residue mobility, and thermodynamic stability) indicates that this missense variant is not expected to disrupt XIAP protein function with a negative predictive value of 80%. In summary, the available evidence is currently insufficient to determine the role of this variant in disease. Therefore, it has been classified as a Variant of Uncertain Significance.

Blueprint Genetics
Classification: Uncertain significance. Last evaluated: 2024-10-11. Review status: criteria provided, single submitter. Criteria: ACMG Guidelines, 2015. Collection method: clinical testing. Allele origin: germline.